The following is an entry in ClinVar:

ClinVar aggregate classification (germline): Uncertain significance. Review status: criteria provided, multiple submitters, no conflicts (2 of 4 stars). 4 submissions from 4 submitters: Uncertain significance (3). 1 of the submissions does not count toward it. Last evaluated 2024-01-19.

Conditions:
DCTN1-related disorder. Also called: DCTN1-related condition.
Amyotrophic lateral sclerosis type 1 (ALS1). Also called: AMYOTROPHIC LATERAL SCLEROSIS 1, FAMILIAL. Identifiers: Orphanet 803, MedGen C1862939, MONDO:0007103, OMIM 105400.
Perry syndrome. Also called: PARKINSONISM WITH ALVEOLAR HYPOVENTILATION AND MENTAL DEPRESSION. Identifiers: Orphanet 178509, MedGen C1868594, MONDO:0008201, OMIM 168605.
Neuronopathy, distal hereditary motor, type 7B. Also called: Distal Hereditary Motor Neuronopathy Type 7B (dHMN7B); HMN VIIB; LOWER MOTOR NEURON DISEASE, DYNACTIN TYPE; NEURONOPATHY, DISTAL HEREDITARY MOTOR, AUTOSOMAL DOMINANT 14; NEURONOPATHY, DISTAL HEREDITARY MOTOR, HARDING TYPE VIIB; NEUROPATHY, DISTAL HEREDITARY MOTOR, HARDING TYPE VIIB. Identifiers: Orphanet 139589, MedGen C1843315, MONDO:0011879, OMIM 607641.

Allele frequency attached by ClinVar (database versions not stated): gnomAD 0.00002 and 0.00003; TOPMed 0.00002; ESP Exome Variant Server 0.00008.
gnomAD v4.1: 33 of 1,614,048 alleles (0.002%); highest among the groups gnomAD compares: Non-Finnish European, 0.0026%; no homozygotes.

Submissions (4):

Mayo Clinic Laboratories, Mayo Clinic
Classification: Uncertain significance. Last evaluated: 2024-01-19. Review status: criteria provided, single submitter. Criteria: ACMG Guidelines, 2015. Collection method: clinical testing. Allele origin: germline. Observed: 1 variant allele.

Labcorp Genetics (formerly Invitae), Labcorp
Classification: Uncertain significance for Amyotrophic lateral sclerosis type 1; Neuronopathy, distal hereditary motor, type 7B; Perry syndrome. Last evaluated: 2023-05-02. Review status: criteria provided, single submitter. Criteria: Invitae Variant Classification Sherloc (09022015). Collection method: clinical testing. Allele origin: germline.
Comment: In summary, the available evidence is currently insufficient to determine the role of this variant in disease. Therefore, it has been classified as a Variant of Uncertain Significance. Advanced modeling of protein sequence and biophysical properties (such as structural, functional, and spatial information, amino acid conservation, physicochemical variation, residue mobility, and thermodynamic stability) performed at Invitae indicates that this missense variant is expected to disrupt DCTN1 protein function. ClinVar contains an entry for this variant (Variation ID: 834539). This missense change has been observed in individual(s) with sporadic amyotrophic lateral sclerosis (PMID: 25382069). This variant is present in population databases (rs374419252, gnomAD 0.006%). This sequence change replaces serine, which is neutral and polar, with cysteine, which is neutral and slightly polar, at codon 111 of the DCTN1 protein (p.Ser111Cys).

Clinical Genetics Laboratory, Skane University Hospital Lund
Classification: Uncertain significance. Last evaluated: 2022-05-27. Review status: criteria provided, single submitter. Criteria: ACMG Guidelines, 2015. Collection method: clinical testing. Allele origin: germline. Affected: yes.

PreventionGenetics, part of Exact Sciences
Classification: Uncertain significance for DCTN1-related condition. Last evaluated: 2024-08-16. Review status: no assertion criteria provided. Collection method: clinical testing. Allele origin: germline. Not counted in ClinVar's aggregate classification.
Comment: The DCTN1 c.332C>G variant is predicted to result in the amino acid substitution p.Ser111Cys. This variant was reported in an individual with amyotrophic lateral sclerosis (Cady et al. 2015. PubMed ID: 25382069). This variant is reported in 0.0062% of alleles in individuals of European (Non-Finnish) descent in gnomAD. At this time, the clinical significance of this variant is uncertain due to the absence of conclusive functional and genetic evidence.

Literature cited by the submitters: PubMed 25382069 (cited by Mayo Clinic Laboratories, Mayo Clinic and Labcorp Genetics (formerly Invitae), Labcorp); PubMed 28625595 (cited by Mayo Clinic Laboratories, Mayo Clinic).

NM_004082.5(DCTN1):c.332C>G (p.Ser111Cys)

Gene: DCTN1 (dynactin subunit 1; minus strand). Cytogenetic location: 2p13.1.
Variant type: single nucleotide variant.
Coding change: c.332C>G on transcript NM_004082.5 (MANE Select); coding-DNA position 332, C replaced by G.
Protein change: p.Ser111Cys; replaces serine 111 with cysteine.
Molecular consequence: missense variant. On other transcripts: non-coding transcript variant (1).
Genome position (GRCh38, 1-based): chr2:74,377,674, G>C on the plus strand (C>G on the coding strand, the complement: DCTN1 is on the minus strand). VCF-style: chr2-74377674-G-C. GRCh37 (hg19) VCF-style: chr2-74604801-G-C.
Other names: p.Ser111Cys; c.332C>G, p.Ser111Cys (NM_001135040.3, NM_001190837.2); c.281C>G, p.Ser94Cys (NM_001190836.2, NM_001378991.1, NM_001378992.1); short protein forms S94C, S111C.
Identifiers: ClinVar variation 834539 (VCV000834539.11), dbSNP rs374419252, ClinGen allele CA1722552.